The following is an entry in ClinVar:

ClinVar aggregate classification (germline): Uncertain significance. Review status: criteria provided, multiple submitters, no conflicts (2 of 4 stars). 2 submissions from 2 submitters: Uncertain significance (2). Last evaluated 2025-06-07.

Conditions:
Hereditary cancer-predisposing syndrome. Also called: Neoplastic Syndromes, Hereditary; Tumor predisposition; Hereditary Cancer Syndrome; Hereditary neoplastic syndrome. Identifiers: Orphanet 140162, MedGen C0027672, MeSH D009386, MONDO:0015356.
Fanconi anemia complementation group J. Also called: BRIP1-Related Fanconi Anemia. Identifiers: Orphanet 84, MedGen C1836860, MONDO:0012187, OMIM 609054.
Familial cancer of breast. Also called: BREAST CANCER, FAMILIAL; Hereditary breast cancer; hereditary breast carcinoma. Identifiers: Orphanet 227535, MedGen C0346153, MONDO:0016419, OMIM 114480. Disease mechanism: loss of function.

Submissions (2):

Ambry Genetics
Classification: Uncertain significance for Hereditary cancer-predisposing syndrome. Last evaluated: 2025-06-07. Review status: criteria provided, single submitter. Criteria: Ambry Variant Classification Scheme 2023. Collection method: clinical testing. Allele origin: germline.
Comment: The p.T900I variant (also known as c.2699C>T), located in coding exon 18 of the BRIP1 gene, results from a C to T substitution at nucleotide position 2699. The threonine at codon 900 is replaced by isoleucine, an amino acid with similar properties. This amino acid position is conserved. In addition, this alteration is predicted to be tolerated by in silico analysis. Based on the available evidence, the clinical significance of this variant remains unclear.

Labcorp Genetics (formerly Invitae), Labcorp
Classification: Uncertain significance for Familial cancer of breast; Fanconi anemia complementation group J. Last evaluated: 2023-04-08. Review status: criteria provided, single submitter. Criteria: Invitae Variant Classification Sherloc (09022015). Collection method: clinical testing. Allele origin: germline.
Comment: This sequence change replaces threonine, which is neutral and polar, with isoleucine, which is neutral and non-polar, at codon 900 of the BRIP1 protein (p.Thr900Ile). This variant is not present in population databases (gnomAD no frequency). This variant has not been reported in the literature in individuals affected with BRIP1-related conditions. Advanced modeling of protein sequence and biophysical properties (such as structural, functional, and spatial information, amino acid conservation, physicochemical variation, residue mobility, and thermodynamic stability) performed at Invitae indicates that this missense variant is not expected to disrupt BRIP1 protein function. In summary, the available evidence is currently insufficient to determine the role of this variant in disease. Therefore, it has been classified as a Variant of Uncertain Significance.

NM_032043.3(BRIP1):c.2699C>T (p.Thr900Ile)

Gene: BRIP1 (BRCA1 interacting DNA helicase 1; minus strand). Cytogenetic location: 17q23.2.
Variant type: single nucleotide variant.
Coding change: c.2699C>T on transcript NM_032043.3 (MANE Select); coding-DNA position 2699, C replaced by T.
Protein change: p.Thr900Ile; replaces threonine 900 with isoleucine.
Molecular consequence: missense variant.
Genome position (GRCh38, 1-based): chr17:61,686,042, G>A on the plus strand (C>T on the coding strand, the complement: BRIP1 is on the minus strand). VCF-style: chr17-61686042-G-A. GRCh37 (hg19) VCF-style: chr17-59763403-G-A.
Other names: short protein forms T900I.
Identifiers: ClinVar variation 2939677 (VCV002939677.4), dbSNP rs1359809807, ClinGen allele CA400481713.